The following is an entry in ClinVar:

NM_001320848.2(FAHD2B):c.148G>A (p.Gly50Arg)

Gene: FAHD2B (fumarylacetoacetate hydrolase domain containing 2B; minus strand). Cytogenetic location: 2q11.2.
Variant type: single nucleotide variant.
Coding change: c.148G>A on transcript NM_001320848.2 (MANE Select); coding-DNA position 148, G replaced by A.
Protein change: p.Gly50Arg; replaces glycine 50 with arginine.
Molecular consequence: missense variant.
Genome position (GRCh38, 1-based): chr2:97,091,559, C>T on the plus strand (G>A on the coding strand, the complement: FAHD2B is on the minus strand). VCF-style: chr2-97091559-C-T. GRCh37 (hg19) VCF-style: chr2-97757296-C-T.
Other names: c.148G>A, p.Gly50Arg (NM_199336.3, NM_001320849.2); short protein forms G50R.
Identifiers: ClinVar variation 4681304 (VCV004681304.5).

ClinVar aggregate classification (germline): Likely benign (1 of 4 stars; one submission).

gnomAD v4.1: 8,268 of 1,610,596 alleles (0.51%); highest among the groups gnomAD compares: Middle Eastern, 1.8%; 58 homozygotes.

Submission:

CeGaT Center for Human Genetics Tuebingen
Classification: Likely benign. Last evaluated: 2026-05-01. Review status: criteria provided, single submitter. Criteria: CeGaT Center For Human Genetics Tuebingen Variant Classification Criteria Version 2. Collection method: clinical testing. Allele origin: germline. Affected: yes. Observed: 3 variant alleles.
Comment: FAHD2B: BS2